The following is an entry in ClinVar:

ClinVar aggregate classification (germline): Likely benign (0 of 4 stars; one submission).

Conditions:
DPP6-related disorder. Also called: DPP6-related condition.

gnomAD v4.1: 73 of 1,548,886 alleles (0.0047%); highest among the groups gnomAD compares: African/African-American, 0.087%; no homozygotes.

Submission:

PreventionGenetics, part of Exact Sciences
Classification: Likely benign for DPP6-related condition. Last evaluated: 2024-06-07. Review status: no assertion criteria provided. Collection method: clinical testing. Allele origin: germline.
Comment: This variant is classified as likely benign based on ACMG/AMP sequence variant interpretation guidelines (Richards et al. 2015 PMID: 25741868, with internal and published modifications).

NM_130797.4(DPP6):c.627+20753G>A

Gene: DPP6 (dipeptidyl peptidase like 6; plus strand). Cytogenetic location: 7q36.2.
Variant type: single nucleotide variant.
Coding change: c.627+20753G>A on transcript NM_130797.4 (MANE Select); 20753 bases into the intron after coding-DNA position 627, G replaced by A.
Molecular consequence: intron variant. On other transcripts: missense variant (1), 3 prime UTR variant (1).
Genome position (GRCh38, 1-based): chr7:154,587,669, G>A. VCF-style: chr7-154587669-G-A. GRCh37 (hg19) VCF-style: chr7-154379379-G-A.
Other names: c.647G>A, p.Arg216Lys (NM_001290253.2); c.*495G>A (NM_001364502.2); c.444+20753G>A (NM_001364500.2, NM_001364499.2, NM_001364497.2 and 1 more transcripts); c.435+20753G>A (NM_001364501.2, NM_001039350.3); c.441+20753G>A (NM_001936.5, NM_001290252.2); short protein forms R216K.
Identifiers: ClinVar variation 3351336 (VCV003351336.1).